The following is an entry in ClinVar:

ClinVar aggregate classification (germline): Uncertain significance (1 of 4 stars; one submission).

Submission:

GeneDx
Classification: Uncertain significance. Last evaluated: 2025-08-27. Review status: criteria provided, single submitter. Criteria: GeneDx Variant Classification Process June 2021. Collection method: clinical testing. Allele origin: germline. Affected: yes.
Comment: Not observed at significant frequency in large population cohorts (gnomAD); In silico analysis supports that this missense variant has a deleterious effect on protein structure/function; Has not been previously published as pathogenic or benign to our knowledge

NM_144973.4(DENND5B):c.2354T>A (p.Leu785Gln)

Gene: DENND5B (DENN domain containing 5B; minus strand). Cytogenetic location: 12p11.21.
Variant type: single nucleotide variant.
Coding change: c.2354T>A on transcript NM_144973.4 (MANE Select); coding-DNA position 2354, T replaced by A.
Protein change: p.Leu785Gln; replaces leucine 785 with glutamine.
Molecular consequence: missense variant.
Genome position (GRCh38, 1-based): chr12:31,424,572, A>T on the plus strand (T>A on the coding strand, the complement: DENND5B is on the minus strand). VCF-style: chr12-31424572-A-T. GRCh37 (hg19) VCF-style: chr12-31577506-A-T.
Other names: c.2459T>A, p.Leu820Gln (NM_001308339.2); short protein forms L785Q, L820Q.
Identifiers: ClinVar variation 3901781 (VCV003901781.2).